The following is an entry in ClinVar:

NM_001385012.1(NBEA):c.781A>T (p.Thr261Ser)

Gene: NBEA (neurobeachin; plus strand). Cytogenetic location: 13q13.3.
Variant type: single nucleotide variant.
Coding change: c.781A>T on transcript NM_001385012.1 (MANE Select); coding-DNA position 781, A replaced by T.
Protein change: p.Thr261Ser; replaces threonine 261 with serine.
Molecular consequence: missense variant.
Genome position (GRCh38, 1-based): chr13:35,048,620, A>T. VCF-style: chr13-35048620-A-T. GRCh37 (hg19) VCF-style: chr13-35622757-A-T.
Other names: c.781A>T, p.Thr261Ser (NM_001379245.1, NM_015678.5); short protein forms T261S.
Identifiers: ClinVar variation 4755615 (VCV004755615.1).

ClinVar aggregate classification (germline): Uncertain significance (1 of 4 stars; one submission).

Submission:

GeneDx
Classification: Uncertain significance. Last evaluated: 2025-08-07. Review status: criteria provided, single submitter. Criteria: GeneDx Variant Classification Process June 2021. Collection method: clinical testing. Allele origin: germline. Affected: yes.
Comment: Not observed at significant frequency in large population cohorts (gnomAD); In silico analysis supports that this missense variant has a deleterious effect on protein structure/function; Has not been previously published as pathogenic or benign to our knowledge